The following is an entry in ClinVar:

NM_025099.6(CTC1):c.2438dup (p.Gln815fs)

Gene: CTC1 (CST telomere replication complex component 1; minus strand). Cytogenetic location: 17p13.1.
Variant type: Duplication.
Coding change: c.2438dup on transcript NM_025099.6 (MANE Select); coding-DNA position 2438, one base duplicated (C; older notation c.2438dupC).
Protein change: p.Gln815fs; shifts the reading frame from glutamine 815.
Molecular consequence: frameshift variant. On other transcripts: non-coding transcript variant (1).
Genome position (GRCh38, 1-based): chr17:8,231,763, G duplicated on the plus strand (C on the coding strand, the reverse complement: CTC1 is on the minus strand); the first of 3 consecutive G bases (chr17:8,231,763-8,231,765); duplicating any one gives the same sequence. VCF-style (leftmost placement, unchanged base first): chr17-8231762-C-CG. GRCh37 (hg19) VCF-style: chr17-8135080-C-CG.
Other names: c.2438dup, p.Gln815fs (NM_001411067.1); short protein forms Q815fs.
Identifiers: ClinVar variation 4736322 (VCV004736322.1).

ClinVar aggregate classification (germline): Pathogenic (1 of 4 stars; one submission).

Conditions:
Dyskeratosis congenita. Identifiers: Orphanet 1775, MedGen C0265965, MONDO:0015780.

Submission:

Labcorp Genetics (formerly Invitae), Labcorp
Classification: Pathogenic for Dyskeratosis congenita. Last evaluated: 2026-02-01. Review status: criteria provided, single submitter. Criteria: Invitae Variant Classification Sherloc (09022015). Collection method: clinical testing. Allele origin: germline.
Comment: This sequence change creates a premature translational stop signal (p.Gln815Thrfs*17) in the CTC1 gene. It is expected to result in an absent or disrupted protein product. Loss-of-function variants in CTC1 are known to be pathogenic (PMID: 22267198, 22387016). This variant is not present in population databases (gnomAD no frequency). This variant has not been reported in the literature in individuals affected with CTC1-related conditions. Algorithms developed to predict the effect of sequence changes on RNA splicing suggest that this variant may disrupt the consensus splice site. For these reasons, this variant has been classified as Pathogenic.

Literature cited by the submitters: PubMed 22267198; PubMed 22387016.